The following is an entry in ClinVar:

NM_176869.3(PPA2):c.998G>T (p.Gly333Val)

Gene: PPA2 (inorganic pyrophosphatase 2; minus strand). Cytogenetic location: 4q24.
Variant type: single nucleotide variant.
Coding change: c.998G>T on transcript NM_176869.3 (MANE Select); coding-DNA position 998, G replaced by T.
Protein change: p.Gly333Val; replaces glycine 333 with valine.
Molecular consequence: missense variant.
Genome position (GRCh38, 1-based): chr4:105,369,732, C>A on the plus strand (G>T on the coding strand, the complement: PPA2 is on the minus strand). VCF-style: chr4-105369732-C-A. GRCh37 (hg19) VCF-style: chr4-106290889-C-A.
Other names: c.911G>T, p.Gly304Val (NM_006903.4); c.692G>T, p.Gly231Val (NM_176866.2); c.500G>T, p.Gly167Val (NM_176867.3); short protein forms G167V, G231V, G304V, G333V.
Identifiers: ClinVar variation 1985955 (VCV001985955.4), dbSNP rs2476859741, ClinGen allele CA357787411.

ClinVar aggregate classification (germline): Uncertain significance (1 of 4 stars; one submission).

Allele frequency attached by ClinVar (database versions not stated): gnomAD exomes below 0.00001.
gnomAD v4.1: 1 of 1,591,722 alleles (0.000063%); highest among the groups gnomAD compares: Non-Finnish European, 0.000086%; no homozygotes.

Submission:

Labcorp Genetics (formerly Invitae), Labcorp
Classification: Uncertain significance. Last evaluated: 2022-04-01. Review status: criteria provided, single submitter. Criteria: Invitae Variant Classification Sherloc (09022015). Collection method: clinical testing. Allele origin: germline.
Comment: This sequence change replaces glycine, which is neutral and non-polar, with valine, which is neutral and non-polar, at codon 333 of the PPA2 protein (p.Gly333Val). In summary, the available evidence is currently insufficient to determine the role of this variant in disease. Therefore, it has been classified as a Variant of Uncertain Significance. Algorithms developed to predict the effect of missense changes on protein structure and function (SIFT, PolyPhen-2, Align-GVGD) all suggest that this variant is likely to be tolerated. This variant has not been reported in the literature in individuals affected with PPA2-related conditions. This variant is not present in population databases (gnomAD no frequency).